The following is an entry in ClinVar:

ClinVar aggregate classification (germline): Conflicting classifications of pathogenicity. Review status: criteria provided, conflicting classifications (1 of 4 stars). 7 submissions from 7 submitters: Uncertain significance (2); Benign (1); Likely benign (3). 1 of the submissions does not count toward it. Last evaluated 2025-10-23.

Conditions:
Inborn genetic diseases. Identifiers: MedGen C0950123, MeSH D030342.
ILDR1-related disorder. Also called: ILDR1-related condition.

Allele frequency attached by ClinVar (database versions not stated): gnomAD exomes 0.00013 and 0.00040; ExAC 0.00058; ESP Exome Variant Server 0.00138; gnomAD 0.00151 and 0.00159; TOPMed 0.00195; 1000 Genomes Project 0.00319; 1000 Genomes Project 30x 0.00328.

Submissions (7):

Labcorp Genetics (formerly Invitae), Labcorp
Classification: Likely benign. Last evaluated: 2025-10-23. Review status: criteria provided, single submitter. Criteria: Invitae Variant Classification Sherloc (09022015). Collection method: clinical testing. Allele origin: germline.

Ambry Genetics
Classification: Uncertain significance for Inborn genetic diseases. Last evaluated: 2024-11-09. Review status: criteria provided, single submitter. Criteria: Ambry Variant Classification Scheme 2023. Collection method: clinical testing. Allele origin: germline.

Blueprint Genetics
Classification: Likely benign. Last evaluated: 2024-07-04. Review status: criteria provided, single submitter. Criteria: ACMG Guidelines, 2015. Collection method: clinical testing. Allele origin: germline.

GeneDx
Classification: Uncertain significance. Last evaluated: 2020-06-29. Review status: criteria provided, single submitter. Criteria: GeneDx Variant Classification Process June 2021. Collection method: clinical testing. Allele origin: germline. Affected: yes.
Comment: In silico analysis, which includes protein predictors and evolutionary conservation, supports that this variant does not alter protein structure/function; Splice predictors are inconclusive as to whether the variant alters gene splicing. In the absence of RNA/functional studies, the actual effect of this sequence change is unknown.; Has not been previously published as pathogenic or benign to our knowledge

Laboratory for Molecular Medicine, Mass General Brigham Personalized Medicine
Classification: Benign. Last evaluated: 2017-01-28. Review status: criteria provided, single submitter. Criteria: LMM Criteria. Collection method: clinical testing. Allele origin: germline. Observed: 6 variant alleles.
Comment: Ala76Val in Exon 02 of ILDR1: This variant is not expected to have clinical sign ificance because it has been identified in 0.5% (49/8944) of African chromosomes by the Exome Aggregation Consortium (ExAC; dbSN P rs143072070).

Eurofins Ntd Llc (ga)
Classification: Likely benign. Last evaluated: 2016-03-01. Review status: criteria provided, single submitter. Criteria: EGL Classification Definitions 2015. Collection method: clinical testing. Allele origin: germline. Observed: 2 variant alleles, 2 heterozygotes.

PreventionGenetics, part of Exact Sciences
Classification: Likely benign for ILDR1-related condition. Last evaluated: 2024-09-27. Review status: no assertion criteria provided. Collection method: clinical testing. Allele origin: germline. Not counted in ClinVar's aggregate classification.
Comment: This variant is classified as likely benign based on ACMG/AMP sequence variant interpretation guidelines (Richards et al. 2015 PMID: 25741868, with internal and published modifications).

NM_001199799.2(ILDR1):c.227C>T (p.Ala76Val)

Gene: ILDR1 (immunoglobulin like domain containing receptor 1; minus strand). Cytogenetic location: 3q13.33.
Variant type: single nucleotide variant.
Coding change: c.227C>T on transcript NM_001199799.2 (MANE Select); coding-DNA position 227, C replaced by T.
Protein change: p.Ala76Val; replaces alanine 76 with valine.
Molecular consequence: missense variant.
Genome position (GRCh38, 1-based): chr3:122,006,993, G>A on the plus strand (C>T on the coding strand, the complement: ILDR1 is on the minus strand). VCF-style: chr3-122006993-G-A. GRCh37 (hg19) VCF-style: chr3-121725840-G-A.
Other names: c.227C>T, p.Ala76Val (NM_001199800.2, NM_175924.4); short protein forms A76V.
Identifiers: ClinVar variation 286301 (VCV000286301.23), dbSNP rs143072070, ClinGen allele CA2569016.
Genomic context (GRCh38, chr3:122,006,993, plus strand): 5'-CAGTATGTCACAGAGGTGTCTGGGACCCACAGAGGGCCAAGGGGGTAAGGATACTCACAC[G>A]CTGAGTAGTAGTCAAAGATAGGGTCCTTGCAGAAGGACTTGAAGCGCCATGTCACCACCA-3'
Protein context (NP_001186728.1, residues 66-86): CKDPIFDYYS[Ala76Val]SYQAALSLGQ